The following is an entry in ClinVar:

NM_001042681.2(RERE):c.2530C>T (p.Pro844Ser)

Gene: RERE (arginine-glutamic acid dipeptide repeats; minus strand). Cytogenetic location: 1p36.23.
Variant type: single nucleotide variant.
Coding change: c.2530C>T on transcript NM_001042681.2 (MANE Select); coding-DNA position 2530, C replaced by T.
Protein change: p.Pro844Ser; replaces proline 844 with serine.
Molecular consequence: missense variant.
Genome position (GRCh38, 1-based): chr1:8,360,977, G>A on the plus strand (C>T on the coding strand, the complement: RERE is on the minus strand). VCF-style: chr1-8360977-G-A. GRCh37 (hg19) VCF-style: chr1-8421037-G-A.
Other names: c.868C>T, p.Pro290Ser (NM_001042682.2); c.2530C>T, p.Pro844Ser (NM_012102.4); c.2530C>T (NM_012102.3); short protein forms P290S, P844S.
Identifiers: ClinVar variation 2435413 (VCV002435413.5), dbSNP rs916103964, ClinGen allele CA17695867.

ClinVar aggregate classification (germline): Uncertain significance. Review status: criteria provided, single submitter (1 of 4 stars). 2 submissions from 2 submitters: Uncertain significance (1). 1 of the submissions does not count toward it. Last evaluated 2021-06-08.

Conditions:
Neurodevelopmental disorder with or without anomalies of the brain, eye, or heart (NEDBEH). Identifiers: Orphanet 494344, MedGen C5567477, MONDO:0014857, OMIM 616975.
RERE-related disorder. Also called: RERE-Related Disorders; RERE-related condition. Identifiers: MedGen CN381537.

Allele frequency attached by ClinVar (database versions not stated): TOPMed 0.00003; gnomAD 0.00005.
gnomAD v4.1: 29 of 1,445,918 alleles (0.002%); highest among the groups gnomAD compares: South Asian, 0.014%; no homozygotes.

Submissions (2):

Revvity Omics, Revvity
Classification: Uncertain significance for Neurodevelopmental disorder with or without anomalies of the brain, eye, or heart. Last evaluated: 2021-06-08. Review status: criteria provided, single submitter. Criteria: ACMG Guidelines, 2015. Collection method: clinical testing. Allele origin: germline.

PreventionGenetics, part of Exact Sciences
Classification: Uncertain significance for RERE-related condition. Last evaluated: 2023-10-20. Review status: no assertion criteria provided. Collection method: clinical testing. Allele origin: germline. Not counted in ClinVar's aggregate classification.
Comment: The RERE c.2530C>T variant is predicted to result in the amino acid substitution p.Pro844Ser. To our knowledge, this variant has not been reported in the literature. This variant is reported in 0.0053% of alleles in individuals of European (Non-Finnish) descent in gnomAD. At this time, the clinical significance of this variant is uncertain due to the absence of conclusive functional and genetic evidence.